The following is an entry in ClinVar:

ClinVar aggregate classification (germline): Uncertain significance. Review status: criteria provided, multiple submitters, no conflicts (2 of 4 stars). 2 submissions from 2 submitters: Uncertain significance (2). Last evaluated 2025-08-10.

Conditions:
Hereditary cancer-predisposing syndrome. Also called: Tumor predisposition; Hereditary neoplastic syndrome; Neoplastic Syndromes, Hereditary; Hereditary Cancer Syndrome. Identifiers: Orphanet 140162, MedGen C0027672, MeSH D009386, MONDO:0015356.
Mitochondrial complex II deficiency, nuclear type 1. Also called: SUCCINATE CoQ REDUCTASE DEFICIENCY. Identifiers: Orphanet 3208, MedGen C5700310, MONDO:0100294, OMIM 252011.
Pheochromocytoma/paraganglioma syndrome 5. Also called: Paragangliomas 5; SDHA-Related Hereditary Paraganglioma-Pheochromocytoma Syndrome. Identifiers: Orphanet 29072, MedGen C3279992, MONDO:0013602, OMIM 614165.

Submissions (2):

Labcorp Genetics (formerly Invitae), Labcorp
Classification: Uncertain significance for Pheochromocytoma/paraganglioma syndrome 5; Mitochondrial complex II deficiency, nuclear type 1. Last evaluated: 2025-08-10. Review status: criteria provided, single submitter. Criteria: Invitae Variant Classification Sherloc (09022015). Collection method: clinical testing. Allele origin: germline.
Comment: This sequence change replaces isoleucine, which is neutral and non-polar, with valine, which is neutral and non-polar, at codon 579 of the SDHA protein (p.Ile579Val). The frequency data for this variant in the population databases is considered unreliable, as metrics indicate poor data quality at this position in the gnomAD database. This variant has not been reported in the literature in individuals affected with SDHA-related conditions. ClinVar contains an entry for this variant (Variation ID: 1004727). Invitae Evidence Modeling of protein sequence and biophysical properties (such as structural, functional, and spatial information, amino acid conservation, physicochemical variation, residue mobility, and thermodynamic stability) indicates that this missense variant is not expected to disrupt SDHA protein function with a negative predictive value of 95%. In summary, the available evidence is currently insufficient to determine the role of this variant in disease. Therefore, it has been classified as a Variant of Uncertain Significance.

Ambry Genetics
Classification: Uncertain significance for Hereditary cancer-predisposing syndrome. Last evaluated: 2023-10-24. Review status: criteria provided, single submitter. Criteria: Ambry Variant Classification Scheme 2023. Collection method: clinical testing. Allele origin: germline.
Comment: The p.I579V variant (also known as c.1735A>G), located in coding exon 13 of the SDHA gene, results from an A to G substitution at nucleotide position 1735. The isoleucine at codon 579 is replaced by valine, an amino acid with highly similar properties. This amino acid position is highly conserved in available vertebrate species. In addition, the in silico prediction for this alteration is inconclusive. Since supporting evidence is limited at this time, the clinical significance of this alteration remains unclear.

NM_004168.4(SDHA):c.1735A>G (p.Ile579Val)

Gene: SDHA (succinate dehydrogenase complex flavoprotein subunit A; plus strand). Cytogenetic location: 5p15.33.
Variant type: single nucleotide variant.
Coding change: c.1735A>G on transcript NM_004168.4 (MANE Select); coding-DNA position 1735, A replaced by G.
Protein change: p.Ile579Val; replaces isoleucine 579 with valine.
Molecular consequence: missense variant. On other transcripts: intron variant (1).
Genome position (GRCh38, 1-based): chr5:251,409, A>G. VCF-style: chr5-251409-A-G. GRCh37 (hg19) VCF-style: chr5-251524-A-G.
Other names: c.1591A>G, p.Ile531Val (NM_001294332.2); c.1552-2984A>G (NM_001330758.2); c.1735A>G (NM_004168.2); short protein forms I531V, I579V.
Identifiers: ClinVar variation 1004727 (VCV001004727.10), dbSNP rs1042052, ClinGen allele CA112783574.